The following is an entry in ClinVar:

ClinVar aggregate classification (germline): Conflicting classifications of pathogenicity. Review status: criteria provided, conflicting classifications (1 of 4 stars). 4 submissions from 4 submitters: Uncertain significance (2); Likely benign (2). Last evaluated 2026-01-24.

Conditions:
Spermatogenic failure 18. Identifiers: MedGen C4539783, MONDO:0054615, OMIM 617576.
Ciliary dyskinesia, primary, 37 (CILD37). Also called: CILIARY DYSKINESIA, PRIMARY, 37, WITH OR WITHOUT SITUS INVERSUS. Identifiers: MedGen C4539798, MONDO:0033204, OMIM 617577.
DNAH1-related disorder. Also called: DNAH1-related condition.

Allele frequency attached by ClinVar (database versions not stated): 1000 Genomes Project 0.00060; 1000 Genomes Project 30x 0.00062; TOPMed 0.00068; ESP Exome Variant Server 0.00008; gnomAD 0.00046 and 0.00050; ExAC 0.00056.
gnomAD v4.1: 479 of 1,612,558 alleles (0.03%); highest among the groups gnomAD compares: Admixed American, 0.4%; 1 homozygote.

Submissions (4):

Labcorp Genetics (formerly Invitae), Labcorp
Classification: Likely benign for Ciliary dyskinesia, primary, 37; Spermatogenic failure 18. Last evaluated: 2026-01-24. Review status: criteria provided, single submitter. Criteria: Invitae Variant Classification Sherloc (09022015). Collection method: clinical testing. Allele origin: germline.

PreventionGenetics, part of Exact Sciences
Classification: Likely benign for DNAH1-related condition. Last evaluated: 2026-01-05. Review status: criteria provided, single submitter. Criteria: ACMG Guidelines, 2015. Collection method: clinical testing. Allele origin: germline.
Comment: This variant is classified as likely benign based on ACMG/AMP sequence variant interpretation guidelines (Richards et al. 2015 PMID: 25741868, with internal and published modifications).

Mayo Clinic Laboratories, Mayo Clinic
Classification: Uncertain significance. Last evaluated: 2024-06-10. Review status: criteria provided, single submitter. Criteria: ACMG Guidelines, 2015. Collection method: clinical testing. Allele origin: germline. Observed: 1 variant allele.
Comment: BP4

ARUP Laboratories, Molecular Genetics and Genomics, ARUP Laboratories
Classification: Uncertain significance. Last evaluated: 2023-08-30. Review status: criteria provided, single submitter. Criteria: ARUP Molecular Germline Variant Investigation Process 2024. Collection method: clinical testing. Allele origin: germline.
Comment: The DNAH1 c.2926G>A; p.Ala976Thr variant (rs181919231) to our knowledge, is not reported in the medical literature but is reported in ClinVar (Variation ID: 478436). This variant is observed in the Latino/Admixed American population with an allele frequency of 0.4% (147/35,350 alleles) in the Genome Aggregation Database. Computational analyses are uncertain whether this variant is deleterious or neutral (REVEL: 0.227). While the high population frequency suggests that this is likely a benign variant, given the lack of clinical and functional data, the significance of this variant is uncertain at this time.

NM_015512.5(DNAH1):c.2926G>A (p.Ala976Thr)

Gene: DNAH1 (dynein axonemal heavy chain 1; plus strand). Cytogenetic location: 3p21.1.
Variant type: single nucleotide variant.
Coding change: c.2926G>A on transcript NM_015512.5 (MANE Select); coding-DNA position 2926, G replaced by A.
Protein change: p.Ala976Thr; replaces alanine 976 with threonine.
Molecular consequence: missense variant.
Genome position (GRCh38, 1-based): chr3:52,352,606, G>A. VCF-style: chr3-52352606-G-A. GRCh37 (hg19) VCF-style: chr3-52386622-G-A.
Other names: p.Ala976Thr; short protein forms A976T.
Identifiers: ClinVar variation 478436 (VCV000478436.15), dbSNP rs181919231, ClinGen allele CA2433433.
Genomic context (GRCh38, chr3:52,352,606, plus strand): 5'-CTGCAGCTGGTAGTAGCTGGCTTCTCCATCCATGTGGAGATTTCACGTGCACACGAGATC[G>A]CCAACGAGGTGCGGCGTGTCAAGAAGCAGCTGAAGGACTGCCAGCAGCTGGCCATGCTCT-3'
Protein context (NP_056327.4, residues 966-986): HVEISRAHEI[Ala976Thr]NEVRRVKKQL